The following is an entry in ClinVar:

ClinVar aggregate classification (germline): Likely pathogenic (1 of 4 stars; one submission).

Conditions:
Spastic paraplegia. Identifiers: MedGen C0037772, HP:0001258.

Submission:

Labcorp Genetics (formerly Invitae), Labcorp
Classification: Likely pathogenic for Spastic paraplegia. Last evaluated: 2018-12-12. Review status: criteria provided, single submitter. Criteria: Invitae Variant Classification Sherloc (09022015). Collection method: clinical testing. Allele origin: germline.
Comment: This variant is not present in population databases (ExAC no frequency). This variant has not been reported in the literature in individuals with SACS-related conditions. This variant disrupts the C-terminus of the SACS protein. Other truncations (p.Glu4309*, p.Arg4325*, and p.Phe4352Leufs*11) that lie downstream of this variant have been reported in individuals affected with autosomal recessive spastic ataxia of Charlevoix-Saguenay (ARSACS) (PMID: 23497566, 26288984, 16944349). This suggests that this may be a clinically significant region of the protein. In summary, the currently available evidence indicates that the variant is pathogenic, but additional data are needed to prove that conclusively. Therefore, this variant has been classified as Likely Pathogenic. This sequence change results in a premature translational stop signal in the SACS gene (p.Arg3970Tyrfs*6). While this is not anticipated to result in nonsense mediated decay, it is expected to disrupt the last 610 amino acids of the SACS protein.

Literature cited by the submitters: PubMed 23497566; PubMed 26288984; PubMed 16944349.

NM_014363.6(SACS):c.11907_11930delinsA (p.Arg3970fs)

Gene: SACS (sacsin molecular chaperone; minus strand). Cytogenetic location: 13q12.12.
Variant type: Indel.
Coding change: c.11907_11930delinsA on transcript NM_014363.6 (MANE Select); coding-DNA positions 11907 to 11930, TAGACCTCGATTATTGAGCAGTAT replaced by A.
Protein change: p.Arg3970fs; shifts the reading frame from arginine 3970.
Molecular consequence: frameshift variant.
Genome position (GRCh38, 1-based): chr13:23,331,946-23,331,969, ATACTGCTCAATAATCGAGGTCTA replaced by T on the plus strand (TAGACCTCGATTATTGAGCAGTAT replaced by A on the coding strand, the reverse complement: SACS is on the minus strand). VCF-style: chr13-23331946-ATACTGCTCAATAATCGAGGTCTA-T. GRCh37 (hg19) VCF-style: chr13-23906085-ATACTGCTCAATAATCGAGGTCTA-T.
Other names: c.11466_11489delinsA, p.Arg3823fs (NM_001278055.2); short protein forms R3823fs, R3970fs.
Identifiers: ClinVar variation 639904 (VCV000639904.5), dbSNP rs1593121507, ClinGen allele CA915946856.